The following is an entry in ClinVar:

NM_001614.5(ACTG1):c.941A>G (p.Gln314Arg)

Gene: ACTG1 (actin gamma 1; minus strand). Cytogenetic location: 17q25.3.
Variant type: single nucleotide variant.
Coding change: c.941A>G on transcript NM_001614.5 (MANE Select); coding-DNA position 941, A replaced by G.
Protein change: p.Gln314Arg; replaces glutamine 314 with arginine.
Molecular consequence: missense variant. On other transcripts: non-coding transcript variant (1).
Genome position (GRCh38, 1-based): chr17:81,510,970, T>C on the plus strand (A>G on the coding strand, the complement: ACTG1 is on the minus strand). VCF-style: chr17-81510970-T-C. GRCh37 (hg19) VCF-style: chr17-79477996-T-C.
Other names: c.941A>G, p.Gln314Arg (NM_001199954.3); short protein forms Q314R.
Identifiers: ClinVar variation 1718875 (VCV001718875.5), dbSNP rs2544387023, ClinGen allele CA401458927.

ClinVar aggregate classification (germline): Uncertain significance (1 of 4 stars; one submission).

Conditions:
Baraitser-winter syndrome 2. Identifiers: Orphanet 2995, MedGen C3281235, MONDO:0013812, OMIM 614583.
Autosomal dominant nonsyndromic hearing loss 20. Identifiers: Orphanet 90635, MedGen C1858172, MONDO:0011480, OMIM 604717.

Submission:

Labcorp Genetics (formerly Invitae), Labcorp
Classification: Uncertain significance for Baraitser-winter syndrome 2; Autosomal dominant nonsyndromic hearing loss 20. Last evaluated: 2022-09-16. Review status: criteria provided, single submitter. Criteria: Invitae Variant Classification Sherloc (09022015). Collection method: clinical testing. Allele origin: germline.
Comment: This variant is not present in population databases (gnomAD no frequency). Advanced modeling of protein sequence and biophysical properties (such as structural, functional, and spatial information, amino acid conservation, physicochemical variation, residue mobility, and thermodynamic stability) performed at Invitae indicates that this missense variant is not expected to disrupt ACTG1 protein function. This variant has not been reported in the literature in individuals affected with ACTG1-related conditions. This sequence change replaces glutamine, which is neutral and polar, with arginine, which is basic and polar, at codon 314 of the ACTG1 protein (p.Gln314Arg). In summary, the available evidence is currently insufficient to determine the role of this variant in disease. Therefore, it has been classified as a Variant of Uncertain Significance.